The following is an entry in ClinVar:

ClinVar aggregate classification (germline): Uncertain significance (1 of 4 stars; one submission).

Conditions:
Anauxetic dysplasia. Identifiers: Orphanet 93347, MedGen C1846796, MONDO:0011773.

gnomAD v4.1: 9 of 700,356 alleles (0.0013%); highest among the groups gnomAD compares: African/African-American, 0.01%; no homozygotes.

Submission:

Labcorp Genetics (formerly Invitae), Labcorp
Classification: Uncertain significance for Anauxetic dysplasia. Last evaluated: 2022-08-17. Review status: criteria provided, single submitter. Criteria: Invitae Variant Classification Sherloc (09022015). Collection method: clinical testing. Allele origin: germline.
Comment: This variant occurs in the RMRP gene, which encodes an RNA molecule that does not result in a protein product. This variant is present in population databases (no rsID available, gnomAD 0.02%). This variant has not been reported in the literature in individuals affected with RMRP-related conditions. Experimental studies and prediction algorithms are not available or were not evaluated, and the functional significance of this variant is currently unknown. In summary, the available evidence is currently insufficient to determine the role of this variant in disease. Therefore, it has been classified as a Variant of Uncertain Significance.

NC_000009.12:g.35657929G>A

Gene: RMRP (RNA component of mitochondrial RNA processing endoribonuclease; minus strand). Cytogenetic location: 9p13.3.
Variant type: single nucleotide variant.
Genome position: GRCh38 VCF-style: chr9-35657929-G-A. GRCh37 (hg19) VCF-style: chr9-35657926-G-A.
Identifiers: ClinVar variation 2177643 (VCV002177643.1), dbSNP rs1418128709, ClinGen allele CA464450822.